The following is an entry in ClinVar:

ClinVar aggregate classification (germline): Likely benign (1 of 4 stars; one submission).

gnomAD v4.1: 5,906 of 1,071,594 alleles (0.55%); highest among the groups gnomAD compares: Non-Finnish European, 0.61%; 27 homozygotes.

Submission:

CeGaT Center for Human Genetics Tuebingen
Classification: Likely benign. Last evaluated: 2025-03-01. Review status: criteria provided, single submitter. Criteria: CeGaT Center For Human Genetics Tuebingen Variant Classification Criteria Version 2. Collection method: clinical testing. Allele origin: germline. Affected: yes. Observed: 1 variant allele.
Comment: FBRSL1: BS2

NM_001367871.1(FBRSL1):c.2669C>T (p.Pro890Leu)

Gene: FBRSL1 (fibrosin like 1; plus strand). Cytogenetic location: 12q24.33.
Variant type: single nucleotide variant.
Coding change: c.2669C>T on transcript NM_001367871.1 (MANE Select); coding-DNA position 2669, C replaced by T.
Protein change: p.Pro890Leu; replaces proline 890 with leucine.
Molecular consequence: missense variant.
Genome position (GRCh38, 1-based): chr12:132,583,438, C>T. VCF-style: chr12-132583438-C-T. GRCh37 (hg19) VCF-style: chr12-133160024-C-T.
Other names: c.2798C>T, p.Pro933Leu (NM_001142641.2); c.2723C>T, p.Pro908Leu (NM_001382739.1); c.2048C>T, p.Pro683Leu (NM_001382740.1); short protein forms P683L, P890L, P908L, P933L.
Identifiers: ClinVar variation 3777889 (VCV003777889.7).